The following is an entry in ClinVar:

ClinVar aggregate classification (germline): Uncertain significance. Review status: criteria provided, multiple submitters, no conflicts (2 of 4 stars). 10 submissions from 10 submitters: Uncertain significance (10). Last evaluated 2025-11-10.

Conditions:
Hereditary cancer-predisposing syndrome. Also called: Hereditary neoplastic syndrome; Hereditary Cancer Syndrome; Neoplastic Syndromes, Hereditary; Tumor predisposition. Identifiers: Orphanet 140162, MedGen C0027672, MeSH D009386, MONDO:0015356.
Germ cell tumor of testis (TGCT). Also called: GERM CELL TUMOR, SOMATIC; Testicular germ cell tumor. Identifiers: Orphanet 363504, MedGen C1336708, MONDO:0010108, OMIM 273300.
Peutz-Jeghers syndrome (PJS). Also called: Peutz-Jeghers polyposis; Periorificial lentiginosis syndrome; POLYPOSIS, HAMARTOMATOUS INTESTINAL; POLYPS-AND-SPOTS SYNDROME. Identifiers: Orphanet 2869, MedGen C0031269, MeSH D010580, MONDO:0008280, OMIM 175200.
Melanoma, cutaneous malignant, susceptibility to, 1 (CMM1). Also called: MELANOMA, MALIGNANT; DYSPLASTIC NEVUS SYNDROME, HEREDITARY; FAMILIAL ATYPICAL MOLE-MALIGNANT MELANOMA SYNDROME; B-K MOLE SYNDROME. Identifiers: Orphanet 618, MedGen C1835047, MONDO:0007963, OMIM 155600.
Familial pancreatic carcinoma. Identifiers: Orphanet 1333, MedGen C2931038, MONDO:0015278, OMIM 260350.

Allele frequency attached by ClinVar (database versions not stated): gnomAD 0.00001; gnomAD exomes 0.00001; TOPMed 0.00001.
gnomAD v4.1: 10 of 1,611,794 alleles (0.00062%); highest among the groups gnomAD compares: South Asian, 0.0011%; no homozygotes.

Submissions (10):

Labcorp Genetics (formerly Invitae), Labcorp
Classification: Uncertain significance for Peutz-Jeghers syndrome. Last evaluated: 2025-11-10. Review status: criteria provided, single submitter. Criteria: Invitae Variant Classification Sherloc (09022015). Collection method: clinical testing. Allele origin: germline.
Comment: This sequence change replaces glycine, which is neutral and non-polar, with serine, which is neutral and polar, at codon 21 of the STK11 protein (p.Gly21Ser). This variant is not present in population databases (gnomAD no frequency). This variant has not been reported in the literature in individuals affected with STK11-related conditions. ClinVar contains an entry for this variant (Variation ID: 419256). Invitae Evidence Modeling of protein sequence and biophysical properties (such as structural, functional, and spatial information, amino acid conservation, physicochemical variation, residue mobility, and thermodynamic stability) has been performed for this missense variant. However, the output from this modeling did not meet the statistical confidence thresholds required to predict the impact of this variant on STK11 protein function. In summary, the available evidence is currently insufficient to determine the role of this variant in disease. Therefore, it has been classified as a Variant of Uncertain Significance.

Ambry Genetics
Classification: Uncertain significance for Hereditary cancer-predisposing syndrome. Last evaluated: 2024-12-08. Review status: criteria provided, single submitter. Criteria: Ambry Variant Classification Scheme 2023. Collection method: clinical testing. Allele origin: germline.
Comment: The p.G21S variant (also known as c.61G>A), located in coding exon 1 of the STK11 gene, results from a G to A substitution at nucleotide position 61. The glycine at codon 21 is replaced by serine, an amino acid with similar properties. This amino acid position is well conserved in available vertebrate species. In addition, the in silico prediction for this alteration is inconclusive. Since supporting evidence is limited at this time, the clinical significance of this alteration remains unclear.

All of Us Research Program, National Institutes of Health
Classification: Uncertain significance for Peutz-Jeghers syndrome. Last evaluated: 2024-06-09. Review status: criteria provided, single submitter. Criteria: ACMG Guidelines, 2015. Collection method: clinical testing. Allele origin: germline. Inheritance: Autosomal dominant inheritance. Observed: 6 variant alleles, 6 heterozygotes.
Comment: This missense variant replaces glycine with serine at codon 21 of the STK11 protein. Computational prediction suggests that this variant may not impact protein structure and function (internally defined REVEL score threshold <= 0.5, PMID: 27666373). To our knowledge, functional studies have not been reported for this variant. This variant has not been reported in individuals affected with STK11-related disorders in the literature. This variant has not been identified in the general population by the Genome Aggregation Database (gnomAD). The available evidence is insufficient to determine the role of this variant in disease conclusively. Therefore, this variant is classified as a Variant of Uncertain Significance.

This study involves interpretation of variants in research participants for the purpose of population health screening. Participant phenotype was not available at the time of variant classification. Additional details can be found in publication PMID: 35346344, PMCID: PMC8962531

Color Diagnostics, LLC DBA Color Health
Classification: Uncertain significance for Hereditary cancer-predisposing syndrome. Last evaluated: 2024-03-06. Review status: criteria provided, single submitter. Criteria: ACMG Guidelines, 2015. Collection method: clinical testing. Allele origin: germline.
Comment: This missense variant replaces glycine with serine at codon 21 of the STK11 protein. Computational prediction suggests that this variant may not impact protein structure and function (internally defined REVEL score threshold <= 0.5, PMID: 27666373). To our knowledge, functional studies have not been reported for this variant. This variant has not been reported in individuals affected with STK11-related disorders in the literature. This variant has not been identified in the general population by the Genome Aggregation Database (gnomAD). The available evidence is insufficient to determine the role of this variant in disease conclusively. Therefore, this variant is classified as a Variant of Uncertain Significance.

Baylor Genetics
Classification: Uncertain significance for Melanoma, cutaneous malignant, susceptibility to, 1. Last evaluated: 2023-09-26. Review status: criteria provided, single submitter. Criteria: ACMG Guidelines, 2015. Collection method: clinical testing. Allele origin: unknown.

St. Jude Molecular Pathology, St. Jude Children's Research Hospital
Classification: Uncertain significance for Peutz-Jeghers syndrome. Last evaluated: 2023-09-20. Review status: criteria provided, single submitter. Criteria: St. Jude Assertion Criteria 2020. Collection method: clinical testing. Allele origin: germline.
Comment: The STK11 c.61G>A (p.Gly21Ser) missense change is absent in gnomAD v2.1.1. The in silico tool REVEL is inconclusive about a pathogenic or benign effect of this variant on protein function, and to our knowledge functional studies have not been performed. This variant is absent in a database of women older than 70 years of age who have never had cancer (FLOSSIES). To our knowledge, this variant has not been reported in individuals with Peutz-Jeghers syndrome. In summary, the evidence currently available is insufficient to determine the clinical significance of this variant. It has therefore been classified as of uncertain significance.

Department of Pathology and Laboratory Medicine, Sinai Health System
Classification: Uncertain significance for Melanoma, cutaneous malignant, susceptibility to, 1; Peutz-Jeghers syndrome; Familial pancreatic carcinoma; Germ cell tumor of testis. Last evaluated: 2023-06-29. Review status: criteria provided, single submitter. Criteria: ACMG Guidelines, 2015. Collection method: clinical testing. Allele origin: germline. Affected: no.

Sema4
Classification: Uncertain significance for Hereditary cancer-predisposing syndrome. Last evaluated: 2021-09-04. Review status: criteria provided, single submitter. Criteria: Sema4 Curation Guidelines. Collection method: curation. Allele origin: germline.
Comment: The STK11 c.61G>A (p.G21S) variant has not been reported in the literature to our knowledge. This variant is not reported in the population database Genome Aggregation Database (PMID: 32461654). The variant has been reported in ClinVar (Variation ID 419256). Functional studies have not been performed, and in silico predictions of the variant's effect on protein function are inconclusive. The evidence is insufficient to meet ACMG/AMP criteria for classifying the variant as benign or pathogenic. Thus, the clinical significance of this variant is currently uncertain.

Genome-Nilou Lab
Classification: Uncertain significance for Peutz-Jeghers syndrome. Last evaluated: 2021-07-15. Review status: criteria provided, single submitter. Criteria: ACMG Guidelines, 2015. Collection method: clinical testing. Allele origin: germline. Affected: no.

GeneDx
Classification: Uncertain significance. Last evaluated: 2016-12-29. Review status: criteria provided, single submitter. Criteria: GeneDx Variant Classification (06012015). Collection method: clinical testing. Allele origin: germline. Affected: yes.
Comment: This variant is denoted STK11 c.61G>A at the cDNA level, p.Gly21Ser (G21S) at the protein level, and results in the change of a Glycine to a Serine (GGT>AGT). This variant has not, to our knowledge, been published in the literature as pathogenic or benign. STK11 Gly21Ser was not observed in approximately 6,500 individuals of European and African American ancestry in the NHLBI Exome Sequencing Project, indicating it is not a common benign variant in these populations. Since Glycine and Serine differ in polarity, charge, size or other properties, this is considered a non-conservative amino acid substitution. STK11 Gly21Ser occurs at a position that is not conserved and is not located in a known functional domain (Hearle 2006). In silico analyses are inconsistent regarding the effect this variant may have on protein structure and function. Based on currently available information, it is unclear whether STK11 Gly21Ser is pathogenic or benign. We consider it to be a variant of uncertain significance.

NM_000455.5(STK11):c.61G>A (p.Gly21Ser)

Gene: STK11 (serine/threonine kinase 11; plus strand). Cytogenetic location: 19p13.3.
Variant type: single nucleotide variant.
Coding change: c.61G>A on transcript NM_000455.5 (MANE Select); coding-DNA position 61, G replaced by A.
Protein change: p.Gly21Ser; replaces glycine 21 with serine.
Molecular consequence: missense variant.
Genome position (GRCh38, 1-based): chr19:1,206,974, G>A. VCF-style: chr19-1206974-G-A. GRCh37 (hg19) VCF-style: chr19-1206973-G-A.
Other names: short protein forms G21S.
Identifiers: ClinVar variation 419256 (VCV000419256.27), dbSNP rs1064793751, ClinGen allele CA089436.
Genomic context (GRCh38, chr19:1,206,974, plus strand): 5'-ATGGAGGTGGTGGACCCGCAGCAGCTGGGCATGTTCACGGAGGGCGAGCTGATGTCGGTG[G>A]GTATGGACACGTTCATCCACCGCATCGACTCCACCGAGGTCATCTACCAGCCGCGCCGCA-3'
Protein context (NP_000446.1, residues 11-31): MFTEGELMSV[Gly21Ser]MDTFIHRIDS